The following is an entry in ClinVar:

NM_152431.3(PIWIL4):c.2052G>A (p.Leu684=)

Genes: PIWIL4 (piwi like RNA-mediated gene silencing 4; plus strand), PIWIL4-AS1 (PIWIL4 antisense RNA 1; minus strand). Cytogenetic location: 11q21.
Variant type: single nucleotide variant.
Coding change: c.2052G>A on transcript NM_152431.3 (MANE Select); coding-DNA position 2052, G replaced by A.
Protein change: p.Leu684=; no amino-acid change (leucine 684 retained).
Molecular consequence: synonymous variant.
Genome position (GRCh38, 1-based): chr11:94,617,991, G>A. VCF-style: chr11-94617991-G-A. GRCh37 (hg19) VCF-style: chr11-94351157-G-A.
Identifiers: ClinVar variation 2642300 (VCV002642300.24), dbSNP rs1948864640, ClinGen allele CA476295880.

ClinVar aggregate classification (germline): Likely benign (1 of 4 stars; one submission).

Allele frequency attached by ClinVar (database versions not stated): gnomAD exomes below 0.00001.
gnomAD v4.1: 2 of 1,613,750 alleles (0.00012%); highest among the groups gnomAD compares: Non-Finnish European, 0.00017%; no homozygotes.

Submission:

CeGaT Center for Human Genetics Tuebingen
Classification: Likely benign. Last evaluated: 2024-11-01. Review status: criteria provided, single submitter. Criteria: CeGaT Center For Human Genetics Tuebingen Variant Classification Criteria Version 2. Collection method: clinical testing. Allele origin: germline. Affected: yes. Observed: 2 variant alleles.
Comment: PIWIL4: BP4, BP7